The following is an entry in ClinVar:

NM_004336.5(BUB1):c.1366G>A (p.Val456Met)

Gene: BUB1 (BUB1 mitotic checkpoint serine/threonine kinase; minus strand). Cytogenetic location: 2q13.
Variant type: single nucleotide variant.
Coding change: c.1366G>A on transcript NM_004336.5 (MANE Select); coding-DNA position 1366, G replaced by A.
Protein change: p.Val456Met; replaces valine 456 with methionine.
Molecular consequence: missense variant.
Genome position (GRCh38, 1-based): chr2:110,658,653, C>T on the plus strand (G>A on the coding strand, the complement: BUB1 is on the minus strand). VCF-style: chr2-110658653-C-T. GRCh37 (hg19) VCF-style: chr2-111416230-C-T.
Other names: c.1306G>A, p.Val436Met (NM_001278616.2); c.1366G>A, p.Val456Met (NM_001278617.2); short protein forms V456M, V436M.
Identifiers: ClinVar variation 1770937 (VCV001770937.2), dbSNP rs1435719539, ClinGen allele CA348212580.

ClinVar aggregate classification (germline): Uncertain significance (1 of 4 stars; one submission).

Allele frequency attached by ClinVar (database versions not stated): gnomAD exomes below 0.00001; TOPMed below 0.00001; gnomAD 0.00001.
gnomAD v4.1: 8 of 1,614,066 alleles (0.0005%); highest among the groups gnomAD compares: Non-Finnish European, 0.00068%; no homozygotes.

Submission:

Ambry Genetics
Classification: Uncertain significance. Last evaluated: 2023-10-28. Review status: criteria provided, single submitter. Criteria: Ambry Variant Classification Scheme 2023. Collection method: clinical testing. Allele origin: germline.
Comment: The p.V456M variant (also known as c.1366G>A), located in coding exon 12 of the BUB1 gene, results from a G to A substitution at nucleotide position 1366. The valine at codon 456 is replaced by methionine, an amino acid with highly similar properties. This amino acid position is conserved. In addition, this alteration is predicted to be tolerated by in silico analysis. Since supporting evidence is limited at this time, the clinical significance of this alteration remains unclear.